The following is an entry in ClinVar:

ClinVar aggregate classification (germline): Uncertain significance (1 of 4 stars; one submission).

Submission:

CeGaT Center for Human Genetics Tuebingen
Classification: Uncertain significance. Last evaluated: 2026-06-01. Review status: criteria provided, single submitter. Criteria: CeGaT Center For Human Genetics Tuebingen Variant Classification Criteria Version 2. Collection method: clinical testing. Allele origin: germline. Affected: yes. Observed: 2 variant alleles.
Comment: PTCHD1: PM2

NM_173495.3(PTCHD1):c.55C>A (p.His19Asn)

Gene: PTCHD1 (patched domain containing 1; plus strand). Cytogenetic location: Xp22.11.
Variant type: single nucleotide variant.
Coding change: c.55C>A on transcript NM_173495.3 (MANE Select); coding-DNA position 55, C replaced by A.
Protein change: p.His19Asn; replaces histidine 19 with asparagine.
Molecular consequence: missense variant.
Genome position (GRCh38, 1-based): chrX:23,334,930, C>A. VCF-style: chrX-23334930-C-A. GRCh37 (hg19) VCF-style: chrX-23353047-C-A.
Other names: short protein forms H19N.
Identifiers: ClinVar variation 3239586 (VCV003239586.19), dbSNP rs1921122018.